The following is an entry in ClinVar:

ClinVar aggregate classification (germline): Pathogenic (1 of 4 stars; one submission).

Conditions:
Hereditary cancer-predisposing syndrome. Also called: Neoplastic Syndromes, Hereditary; Tumor predisposition; Hereditary Cancer Syndrome; Hereditary neoplastic syndrome. Identifiers: Orphanet 140162, MedGen C0027672, MeSH D009386, MONDO:0015356.

Submissions (2):

Ambry Genetics
Classification: Pathogenic for Hereditary cancer-predisposing syndrome. Last evaluated: 2022-01-24. Review status: criteria provided, single submitter. Criteria: Ambry Variant Classification Scheme 2023. Collection method: clinical testing. Allele origin: germline.
Comment: The p.E23* pathogenic mutation (also known as c.67G>T), located in coding exon 1 of the BRCA1 gene, results from a G to T substitution at nucleotide position 67. This changes the amino acid from a glutamic acid to a stop codon within coding exon 1. This alteration is expected to result in loss of function by premature protein truncation or nonsense-mediated mRNA decay. As such, this alteration is interpreted as a disease-causing mutation.

Brotman Baty Institute, University of Washington
No classification provided (evidence only). Condition: Breast-ovarian cancer, familial 1. Review status: no classification provided. Collection method: in vitro. Allele origin: not applicable. Functional consequence: functionally_abnormal. Not counted in ClinVar's aggregate classification.
ClinVar note: "not provided" was previously submitted as the classification for the variant. However, the classification appeared to be based only on an observation of functional data so it was converted to no classification on 2025-07-30.

NM_007294.4(BRCA1):c.67G>T (p.Glu23Ter)

Gene: BRCA1 (BRCA1 DNA repair associated; minus strand). Cytogenetic location: 17q21.31.
Variant type: single nucleotide variant.
Coding change: c.67G>T on transcript NM_007294.4 (MANE Select); coding-DNA position 67, G replaced by T.
Protein change: p.Glu23Ter; replaces glutamic acid 23 with a stop codon.
Molecular consequence: nonsense. On other transcripts: 5 prime UTR variant (1), non-coding transcript variant (1).
Genome position (GRCh38, 1-based): chr17:43,124,030, C>A on the plus strand (G>T on the coding strand, the complement: BRCA1 is on the minus strand). VCF-style: chr17-43124030-C-A. GRCh37 (hg19) VCF-style: chr17-41276047-C-A.
Other names: c.-122G>T (NM_001407571.1, NM_001407853.1, NM_001407879.1 and 46 more transcripts); c.67G>T, p.Glu23Ter (NM_001407581.1, NM_001407582.1, NM_001407583.1 and 193 more transcripts); c.-191G>T (NM_001407694.1, NM_001407724.1, NM_001407727.1 and 11 more transcripts); c.-195G>T (NM_001407695.1, NM_001408465.1); c.-336G>T (NM_001407696.1); c.-220G>T (NM_001407697.1, NM_001407846.1, NM_001407920.1); c.-21G>T (NM_001407698.1, NM_001407732.1, NM_001407736.1 and 23 more transcripts); c.-194G>T (NM_001407725.1, NM_001407730.1, NM_001407734.1 and 22 more transcripts); and 8 more; short protein forms E23*.
Identifiers: ClinVar variation 868753 (VCV000868753.5), dbSNP rs372047427, ClinGen allele CA10602022.